The following is an entry in ClinVar:

NM_002474.3(MYH11):c.1193C>G (p.Thr398Ser)

Gene: MYH11 (myosin heavy chain 11; minus strand). Cytogenetic location: 16p13.11.
Variant type: single nucleotide variant.
Coding change: c.1193C>G on transcript NM_002474.3 (MANE Select); coding-DNA position 1193, C replaced by G.
Protein change: p.Thr398Ser; replaces threonine 398 with serine.
Molecular consequence: missense variant.
Genome position (GRCh38, 1-based): chr16:15,760,595, G>C on the plus strand (C>G on the coding strand, the complement: MYH11 is on the minus strand). VCF-style: chr16-15760595-G-C. GRCh37 (hg19) VCF-style: chr16-15854452-G-C.
Other names: c.1214C>G, p.Thr405Ser (NM_001040113.2, NM_001040114.2); c.1193C>G, p.Thr398Ser (NM_022844.3); short protein forms T398S, T405S.
Identifiers: ClinVar variation 3898452 (VCV003898452.7).

ClinVar aggregate classification (germline): Uncertain significance (1 of 4 stars; one submission).

Submission:

CeGaT Center for Human Genetics Tuebingen
Classification: Uncertain significance. Last evaluated: 2025-04-01. Review status: criteria provided, single submitter. Criteria: CeGaT Center For Human Genetics Tuebingen Variant Classification Criteria Version 2. Collection method: clinical testing. Allele origin: germline. Affected: yes. Observed: 1 variant allele.
Comment: MYH11: PM2